The following is an entry in ClinVar:

ClinVar aggregate classification (germline): Uncertain significance (1 of 4 stars; one submission).

Conditions:
Cardiovascular phenotype. Identifiers: MedGen CN230736.

Submission:

Ambry Genetics
Classification: Uncertain significance for Cardiovascular phenotype. Last evaluated: 2024-05-02. Review status: criteria provided, single submitter. Criteria: Ambry Variant Classification Scheme 2023. Collection method: clinical testing. Allele origin: germline.
Comment: The p.D13N variant (also known as c.37G>A), located in coding exon 1 of the KCNE2 gene, results from a G to A substitution at nucleotide position 37. The aspartic acid at codon 13 is replaced by asparagine, an amino acid with highly similar properties. This amino acid position is conserved. In addition, this alteration is predicted to be tolerated by in silico analysis. Based on the available evidence, the clinical significance of this variant remains unclear.

NM_172201.2(KCNE2):c.37G>A (p.Asp13Asn)

Genes: KCNE2 (potassium voltage-gated channel subfamily E regulatory subunit 2; plus strand), LOC105372791 (uncharacterized LOC105372791; minus strand). Cytogenetic location: 21q22.11.
Variant type: single nucleotide variant.
Coding change: c.37G>A on transcript NM_172201.2 (MANE Select); coding-DNA position 37, G replaced by A.
Protein change: p.Asp13Asn; replaces aspartic acid 13 with asparagine.
Molecular consequence: missense variant. On other transcripts: non-coding transcript variant (2).
Genome position (GRCh38, 1-based): chr21:34,370,515, G>A. VCF-style: chr21-34370515-G-A. GRCh37 (hg19) VCF-style: chr21-35742814-G-A.
Other names: short protein forms D13N.
Identifiers: ClinVar variation 3287552 (VCV003287552.1).